The following is an entry in ClinVar:

NM_000400.4(ERCC2):c.85A>G (p.Lys29Glu)

Gene: ERCC2 (ERCC excision repair 2, TFIIH core complex helicase subunit; minus strand). Cytogenetic location: 19q13.32.
Variant type: single nucleotide variant.
Coding change: c.85A>G on transcript NM_000400.4 (MANE Select); coding-DNA position 85, A replaced by G.
Protein change: p.Lys29Glu; replaces lysine 29 with glutamic acid.
Molecular consequence: missense variant.
Genome position (GRCh38, 1-based): chr19:45,370,153, T>C on the plus strand (A>G on the coding strand, the complement: ERCC2 is on the minus strand). VCF-style: chr19-45370153-T-C. GRCh37 (hg19) VCF-style: chr19-45873411-T-C.
Other names: c.13A>G, p.Lys5Glu (NM_001130867.2); short protein forms K29E, K5E.
Identifiers: ClinVar variation 1415652 (VCV001415652.10), dbSNP rs1215067695, ClinGen allele CA406379877.
Genomic context (GRCh38, chr19:45,370,153, plus strand): 5'-CACCGGTCGAGTGGGCGGGTCGGGCCCACCGGCCACCCACCTTGGCGTCCAGCGTGCGTT[T>C]GAGCTCCCGCATGTAGGAGAACTGCTCGGGGTAGATGTAGTCGTACGGGAAGTAGACCAG-3'
Protein context (NP_000391.1, residues 19-39): PEQFSYMREL[Lys29Glu]RTLDAKGHGV

ClinVar aggregate classification (germline): Uncertain significance. Review status: criteria provided, multiple submitters, no conflicts (2 of 4 stars). 2 submissions from 2 submitters: Uncertain significance (2). Last evaluated 2023-12-24.

Conditions:
Inborn genetic diseases. Identifiers: MedGen C0950123, MeSH D030342.

Allele frequency attached by ClinVar (database versions not stated): gnomAD exomes below 0.00001; gnomAD 0.00001.

Submissions (2):

Ambry Genetics
Classification: Uncertain significance for Inborn genetic diseases. Last evaluated: 2023-12-24. Review status: criteria provided, single submitter. Criteria: Ambry Variant Classification Scheme 2023. Collection method: clinical testing. Allele origin: germline.
Comment: The p.K29E variant (also known as c.85A>G), located in coding exon 2 of the ERCC2 gene, results from an A to G substitution at nucleotide position 85. The lysine at codon 29 is replaced by glutamic acid, an amino acid with similar properties. This amino acid position is conserved. In addition, this alteration is predicted to be deleterious by in silico analysis. Since supporting evidence is limited at this time, the clinical significance of this alteration remains unclear.

Labcorp Genetics (formerly Invitae), Labcorp
Classification: Uncertain significance. Last evaluated: 2022-02-10. Review status: criteria provided, single submitter. Criteria: Invitae Variant Classification Sherloc (09022015). Collection method: clinical testing. Allele origin: germline.
Comment: In summary, the available evidence is currently insufficient to determine the role of this variant in disease. Therefore, it has been classified as a Variant of Uncertain Significance. Algorithms developed to predict the effect of missense changes on protein structure and function are either unavailable or do not agree on the potential impact of this missense change (SIFT: "Deleterious"; PolyPhen-2: "Probably Damaging"; Align-GVGD: "Class C0"). This variant has not been reported in the literature in individuals affected with ERCC2-related conditions. This variant is present in population databases (no rsID available, gnomAD 0.002%). This sequence change replaces lysine, which is basic and polar, with glutamic acid, which is acidic and polar, at codon 29 of the ERCC2 protein (p.Lys29Glu).